The following is an entry in ClinVar:

ClinVar aggregate classification (germline): Uncertain significance (1 of 4 stars; one submission).

Conditions:
Epidermolysis bullosa simplex 3, localized or generalized intermediate, with BP230 deficiency (EBS3). Also called: Epidermolysis bullosa simplex, autosomal recessive 2; Epidermolysis bullosa simplex due to BP230 deficiency. Identifiers: Orphanet 412181, MedGen C3809470, MONDO:0014180, OMIM 615425.
Hereditary sensory and autonomic neuropathy type 6. Also called: Neuropathy, hereditary sensory and autonomic, type VI; HSAN VI. Identifiers: Orphanet 314381, MedGen C3539003, MONDO:0013839, OMIM 614653.

Submission:

Labcorp Genetics (formerly Invitae), Labcorp
Classification: Uncertain significance for Epidermolysis bullosa simplex 3, localized or generalized intermediate, with BP230 deficiency; Hereditary sensory and autonomic neuropathy type 6. Last evaluated: 2019-12-04. Review status: criteria provided, single submitter. Criteria: Invitae Variant Classification Sherloc (09022015). Collection method: clinical testing. Allele origin: germline.
Comment: In summary, the available evidence is currently insufficient to determine the role of this variant in disease. Therefore, it has been classified as a Variant of Uncertain Significance. Algorithms developed to predict the effect of missense changes on protein structure and function are either unavailable or do not agree on the potential impact of this missense change (SIFT: "Tolerated"; PolyPhen-2: "Not Available"; Align-GVGD: "Class C0"). This variant has not been reported in the literature in individuals with DST-related conditions. This variant is not present in population databases (ExAC no frequency). This sequence change replaces leucine with serine at codon 3399 of the DST protein (p.Leu3399Ser). The leucine residue is moderately conserved and there is a large physicochemical difference between the two amino acids. The DST gene has multiple clinically relevant transcripts. This variant occurs in alternate transcript NM_015548.4, and corresponds to NM_001723.5:c.*89092T>C in the primary transcript.

NM_001374736.1(DST):c.18065T>C (p.Leu6022Ser)

Gene: DST (dystonin; minus strand). Cytogenetic location: 6p12.1.
Variant type: single nucleotide variant.
Coding change: c.18065T>C on transcript NM_001374736.1 (MANE Select); coding-DNA position 18065, T replaced by C.
Protein change: p.Leu6022Ser; replaces leucine 6022 with serine.
Molecular consequence: missense variant.
Genome position (GRCh38, 1-based): chr6:56,526,425, A>G on the plus strand (T>C on the coding strand, the complement: DST is on the minus strand). VCF-style: chr6-56526425-A-G. GRCh37 (hg19) VCF-style: chr6-56391223-A-G.
Other names: c.11174T>C, p.Leu3725Ser (NM_183380.4); c.11708T>C, p.Leu3903Ser (NM_001144769.5); c.11294T>C, p.Leu3765Ser (NM_001144770.2); c.18065T>C, p.Leu6022Ser (NM_001374722.1); c.17105T>C, p.Leu5702Ser (NM_001374729.1); c.10847T>C, p.Leu3616Ser (NM_001374730.1); c.18092T>C, p.Leu6031Ser (NM_001374734.1); c.10196T>C, p.Leu3399Ser (NM_015548.5); short protein forms L3616S, L3725S, L3765S, L6031S, L3399S, L3903S, L6022S, L5702S.
Identifiers: ClinVar variation 971680 (VCV000971680.8), dbSNP rs2096797952, ClinGen allele CA364505707.
Genomic context (GRCh38, chr6:56,526,425, plus strand): 5'-TGTGATCGCAGAATGGCTGCATCGATCTCCTCCACCTTCTGAGTGATGGTGTCGCTCACT[A>G]ATCGGTAGCGCTCATTGTCCTCAGCTACCATTTTCTCAAGTCCTTCTCTTGCCCTCCATG-3'
Protein context (NP_001361665.1, residues 6012-6032): MVAEDNERYR[Leu6022Ser]VSDTITQKVE